The following is an entry in ClinVar:

NM_001142800.2(EYS):c.5264A>T (p.Asp1755Val)

Gene: EYS (EGF-like photoreceptor maintenance factor; minus strand). Cytogenetic location: 6q12.
Variant type: single nucleotide variant.
Coding change: c.5264A>T on transcript NM_001142800.2 (MANE Select); coding-DNA position 5264, A replaced by T.
Protein change: p.Asp1755Val; replaces aspartic acid 1755 with valine.
Molecular consequence: missense variant.
Genome position (GRCh38, 1-based): chr6:64,590,603, T>A on the plus strand (A>T on the coding strand, the complement: EYS is on the minus strand). VCF-style: chr6-64590603-T-A. GRCh37 (hg19) VCF-style: chr6-65300496-T-A.
Other names: c.5264A>T, p.Asp1755Val (NM_001292009.2); short protein forms D1755V.
Identifiers: ClinVar variation 970370 (VCV000970370.9), dbSNP rs1185867411, ClinGen allele CA364781477.

ClinVar aggregate classification (germline): Uncertain significance. Review status: criteria provided, multiple submitters, no conflicts (2 of 4 stars). 4 submissions from 4 submitters: Uncertain significance (3). 1 of the submissions does not count toward it. Last evaluated 2025-07-12.

Conditions:
Inborn genetic diseases. Identifiers: MedGen C0950123, MeSH D030342.
Retinitis pigmentosa 25 (RP25). Identifiers: Orphanet 791, MedGen C1864446, MONDO:0011272, OMIM 602772.

Allele frequency attached by ClinVar (database versions not stated): gnomAD exomes 0.00001 and 0.00002; TOPMed 0.00002.
gnomAD v4.1: 29 of 1,551,192 alleles (0.0019%); highest among the groups gnomAD compares: Middle Eastern, 0.017%; no homozygotes.

Submissions (4):

Ambry Genetics
Classification: Uncertain significance for Inborn genetic diseases. Last evaluated: 2025-07-12. Review status: criteria provided, single submitter. Criteria: Ambry Variant Classification Scheme 2023. Collection method: clinical testing. Allele origin: germline.

Labcorp Genetics (formerly Invitae), Labcorp
Classification: Uncertain significance. Last evaluated: 2025-01-15. Review status: criteria provided, single submitter. Criteria: Invitae Variant Classification Sherloc (09022015). Collection method: clinical testing. Allele origin: germline.
Comment: This sequence change replaces aspartic acid, which is acidic and polar, with valine, which is neutral and non-polar, at codon 1755 of the EYS protein (p.Asp1755Val). This variant is present in population databases (no rsID available, gnomAD 0.004%). This variant has not been reported in the literature in individuals affected with EYS-related conditions. ClinVar contains an entry for this variant (Variation ID: 970370). Invitae Evidence Modeling of protein sequence and biophysical properties (such as structural, functional, and spatial information, amino acid conservation, physicochemical variation, residue mobility, and thermodynamic stability) indicates that this missense variant is not expected to disrupt EYS protein function with a negative predictive value of 80%. In summary, the available evidence is currently insufficient to determine the role of this variant in disease. Therefore, it has been classified as a Variant of Uncertain Significance.

Blueprint Genetics
Classification: Uncertain significance. Last evaluated: 2024-07-11. Review status: criteria provided, single submitter. Criteria: ACMG Guidelines, 2015. Collection method: clinical testing. Allele origin: germline.

Natera, Inc.
Classification: Uncertain significance for Retinitis pigmentosa type 25. Last evaluated: 2021-03-22. Review status: no assertion criteria provided. Collection method: clinical testing. Allele origin: germline. Not counted in ClinVar's aggregate classification.